The following is an entry in ClinVar:

ClinVar aggregate classification (germline): Conflicting classifications of pathogenicity. Review status: criteria provided, conflicting classifications (1 of 4 stars). 6 submissions from 6 submitters: Uncertain significance (1); Likely benign (5). Last evaluated 2025-11-26.

Conditions:
Inborn genetic diseases. Identifiers: MedGen C0950123, MeSH D030342.
Kabuki syndrome. Also called: Kabuki make-up syndrome; NIIKAWA-KUROKI SYNDROME. Identifiers: Orphanet 2322, MedGen C0796004, MONDO:0016512.
KMT2D-related disorder. Also called: KMT2D-Related Disorders.

Allele frequency attached by ClinVar (database versions not stated): gnomAD exomes 0.00003 and 0.00004; ExAC 0.00006; gnomAD 0.00006 and 0.00007; ESP Exome Variant Server 0.00008; TOPMed 0.00009; 1000 Genomes Project 30x 0.00016; 1000 Genomes Project 0.00020.

Submissions (6):

Labcorp Genetics (formerly Invitae), Labcorp
Classification: Likely benign for Kabuki syndrome. Last evaluated: 2025-11-26. Review status: criteria provided, single submitter. Criteria: Invitae Variant Classification Sherloc (09022015). Collection method: clinical testing. Allele origin: germline.

Dasa
Classification: Uncertain significance. Last evaluated: 2025-10-29. Review status: criteria provided, single submitter. Criteria: DASA Assertion Criteria. Collection method: clinical testing. Allele origin: germline.
Comment: NM_003482.4(KMT2D):c.7354C>T (p.Arg2452Cys) is a missense variant that results in the substitution of arginine with cysteine. This variant is rare in population databases. The currently available literature and clinical evidence are not sufficient to establish a definitive association between this variant and the reported condition. Therefore, this variant is classified as a variant of uncertain significance.

PreventionGenetics, part of Exact Sciences
Classification: Likely benign for KMT2D-related condition. Last evaluated: 2025-08-11. Review status: criteria provided, single submitter. Criteria: ACMG Guidelines, 2015. Collection method: clinical testing. Allele origin: germline.
Comment: This variant is classified as likely benign based on ACMG/AMP sequence variant interpretation guidelines (Richards et al. 2015 PMID: 25741868, with internal and published modifications).

Ambry Genetics
Classification: Likely benign for Inborn genetic diseases. Last evaluated: 2024-10-09. Review status: criteria provided, single submitter. Criteria: Ambry Variant Classification Scheme 2023. Collection method: clinical testing. Allele origin: germline.

GeneDx
Classification: Likely benign. Last evaluated: 2021-05-06. Review status: criteria provided, single submitter. Criteria: GeneDx Variant Classification Process June 2021. Collection method: clinical testing. Allele origin: germline. Affected: yes.
Comment: In silico analysis, which includes protein predictors and evolutionary conservation, supports a deleterious effect; Has not been previously published as pathogenic or benign to our knowledge

Breakthrough Genomics
Classification: Likely benign. Review status: criteria provided, single submitter. Criteria: ACMG Guidelines, 2015. Collection method: not provided. Allele origin: germline. Inheritance: Autosomal dominant inheritance. Affected: yes.

NM_003482.4(KMT2D):c.7354C>T (p.Arg2452Cys)

Gene: KMT2D (lysine methyltransferase 2D; minus strand). Cytogenetic location: 12q13.12.
Variant type: single nucleotide variant.
Coding change: c.7354C>T on transcript NM_003482.4 (MANE Select); coding-DNA position 7354, C replaced by T.
Protein change: p.Arg2452Cys; replaces arginine 2452 with cysteine.
Molecular consequence: missense variant.
Genome position (GRCh38, 1-based): chr12:49,040,416, G>A on the plus strand (C>T on the coding strand, the complement: KMT2D is on the minus strand). VCF-style: chr12-49040416-G-A. GRCh37 (hg19) VCF-style: chr12-49434199-G-A.
Other names: short protein forms R2452C.
Identifiers: ClinVar variation 1196130 (VCV001196130.15), dbSNP rs181112866, ClinGen allele CA6547083.